The following is an entry in ClinVar:

NM_000059.4(BRCA2):c.3012T>G (p.Ser1004Arg)

Gene: BRCA2 (BRCA2 DNA repair associated; plus strand). Cytogenetic location: 13q13.1.
Variant type: single nucleotide variant.
Coding change: c.3012T>G on transcript NM_000059.4 (MANE Select); coding-DNA position 3012, T replaced by G.
Protein change: p.Ser1004Arg; replaces serine 1004 with arginine.
Molecular consequence: missense variant.
Genome position (GRCh38, 1-based): chr13:32,337,367, T>G. VCF-style: chr13-32337367-T-G. GRCh37 (hg19) VCF-style: chr13-32911504-T-G.
Other names: short protein forms S1004R.
Identifiers: ClinVar variation 485429 (VCV000485429.18), dbSNP rs1555283009, ClinGen allele CA387774760.

ClinVar aggregate classification (germline): Conflicting classifications of pathogenicity. Review status: criteria provided, conflicting classifications (1 of 4 stars). 4 submissions from 4 submitters: Uncertain significance (3); Likely benign (1). Last evaluated 2025-04-14.

Conditions:
Hereditary cancer-predisposing syndrome. Also called: Neoplastic Syndromes, Hereditary; Tumor predisposition; Hereditary Cancer Syndrome; Hereditary neoplastic syndrome. Identifiers: Orphanet 140162, MedGen C0027672, MeSH D009386, MONDO:0015356.
Hereditary breast ovarian cancer syndrome. Also called: Hereditary breast and ovarian cancer syndrome; Hereditary breast and ovarian cancer; Hereditary breast and ovarian cancer syndrome (HBOC); Breast and ovarian cancer; Hereditary breast and/or ovarian cancer syndrome; BRCA1- and BRCA2-Associated Hereditary Breast and Ovarian Cancer. Identifiers: Orphanet 145, MedGen C0677776, MeSH D061325, MONDO:0003582. Disease mechanism: loss of function.

Submissions (4):

Labcorp Genetics (formerly Invitae), Labcorp
Classification: Uncertain significance for Hereditary breast ovarian cancer syndrome. Last evaluated: 2025-04-14. Review status: criteria provided, single submitter. Criteria: Invitae Variant Classification Sherloc (09022015). Collection method: clinical testing. Allele origin: germline.
Comment: This sequence change replaces serine, which is neutral and polar, with arginine, which is basic and polar, at codon 1004 of the BRCA2 protein (p.Ser1004Arg). This variant is not present in population databases (gnomAD no frequency). This variant has not been reported in the literature in individuals affected with BRCA2-related conditions. ClinVar contains an entry for this variant (Variation ID: 485429). Invitae Evidence Modeling of protein sequence and biophysical properties (such as structural, functional, and spatial information, amino acid conservation, physicochemical variation, residue mobility, and thermodynamic stability) indicates that this missense variant is not expected to disrupt BRCA2 protein function with a negative predictive value of 95%. In summary, the available evidence is currently insufficient to determine the role of this variant in disease. Therefore, it has been classified as a Variant of Uncertain Significance.

University of Washington Department of Laboratory Medicine, University of Washington
Classification: Likely benign for Hereditary cancer-predisposing syndrome. Last evaluated: 2023-03-23. Review status: criteria provided, single submitter. Criteria: Dines et al. (Genet Med. 2020). Collection method: curation. Allele origin: germline.
Comment: Missense variant in a coldspot region where missense variants are very unlikely to be pathogenic (PMID:31911673).

BRCA2 exon 11 coldspot. Reclassification based on statistical prior probability.

Ambry Genetics
Classification: Uncertain significance for Hereditary cancer-predisposing syndrome. Last evaluated: 2022-09-17. Review status: criteria provided, single submitter. Criteria: Ambry Variant Classification Scheme 2023. Collection method: clinical testing. Allele origin: germline.
Comment: The p.S1004R variant (also known as c.3012T>G), located in coding exon 10 of the BRCA2 gene, results from a T to G substitution at nucleotide position 3012. The serine at codon 1004 is replaced by arginine, an amino acid with dissimilar properties. This amino acid position is poorly conserved in available vertebrate species. In addition, this alteration is predicted to be tolerated by in silico analysis. Since supporting evidence is limited at this time, the clinical significance of this alteration remains unclear.

Color Diagnostics, LLC DBA Color Health
Classification: Uncertain significance for Hereditary cancer-predisposing syndrome. Last evaluated: 2019-05-22. Review status: criteria provided, single submitter. Criteria: ACMG Guidelines, 2015. Collection method: clinical testing. Allele origin: germline.